The following is an entry in ClinVar:

ClinVar aggregate classification (germline): Benign/Likely benign. Review status: criteria provided, multiple submitters, no conflicts (2 of 4 stars). 3 submissions from 3 submitters: Benign (1); Likely benign (2). Last evaluated 2025-06-19.

Conditions:
Hereditary cancer-predisposing syndrome. Also called: Neoplastic Syndromes, Hereditary; Hereditary Cancer Syndrome; Hereditary neoplastic syndrome; Tumor predisposition. Identifiers: Orphanet 140162, MedGen C0027672, MeSH D009386, MONDO:0015356.
Peutz-Jeghers syndrome (PJS). Also called: Peutz-Jeghers polyposis; Periorificial lentiginosis syndrome; POLYPOSIS, HAMARTOMATOUS INTESTINAL; POLYPS-AND-SPOTS SYNDROME. Identifiers: Orphanet 2869, MedGen C0031269, MeSH D010580, MONDO:0008280, OMIM 175200.

Allele frequency attached by ClinVar (database versions not stated): gnomAD exomes below 0.00001; TOPMed below 0.00001; gnomAD 0.00003.
gnomAD v4.1: 1 of 1,584,124 alleles (0.000063%); highest among the groups gnomAD compares: South Asian, 0.0011%; no homozygotes.

Submissions (3):

Labcorp Genetics (formerly Invitae), Labcorp
Classification: Likely benign for Peutz-Jeghers syndrome. Last evaluated: 2025-06-19. Review status: criteria provided, single submitter. Criteria: Invitae Variant Classification Sherloc (09022015). Collection method: clinical testing. Allele origin: germline.

Myriad Genetics, Inc.
Classification: Benign for Peutz-Jeghers syndrome. Last evaluated: 2025-03-26. Review status: criteria provided, single submitter. Criteria: Myriad Autosomal Dominant, Autosomal Recessive and X-Linked Classification Criteria (2023). Collection method: clinical testing. Allele origin: unknown.
Comment: This variant is considered benign. This variant is a silent/synonymous amino acid change and it is not expected to impact splicing.

Ambry Genetics
Classification: Likely benign for Hereditary cancer-predisposing syndrome. Last evaluated: 2019-09-03. Review status: criteria provided, single submitter. Criteria: Ambry Variant Classification Scheme 2023. Collection method: clinical testing. Allele origin: germline.

NM_000455.5(STK11):c.601C>T (p.Leu201=)

Gene: STK11 (serine/threonine kinase 11; plus strand). Cytogenetic location: 19p13.3.
Variant type: single nucleotide variant.
Coding change: c.601C>T on transcript NM_000455.5 (MANE Select); coding-DNA position 601, C replaced by T.
Protein change: p.Leu201=; no amino-acid change (leucine 201 retained).
Molecular consequence: synonymous variant.
Genome position (GRCh38, 1-based): chr19:1,220,584, C>T. VCF-style: chr19-1220584-C-T. GRCh37 (hg19) VCF-style: chr19-1220583-C-T.
Identifiers: ClinVar variation 826139 (VCV000826139.13), dbSNP rs1490445170, ClinGen allele CA504892364.
Genomic context (GRCh38, chr19:1,220,584, plus strand): 5'-GGGCCCTGGGGCGCCCCCTCCCGGGCACTCCCTGAGGGCTGCACGGCACCGCCACAGGCA[C>T]TGCACCCGTTCGCGGCGGACGACACCTGCCGGACCAGCCAGGGCTCCCCGGCTTTCCAGC-3'
Protein context (NP_000446.1, residues 191-211): KISDLGVAEA[Leu201=]HPFAADDTCR